The following is an entry in ClinVar:

ClinVar aggregate classification (germline): Conflicting classifications of pathogenicity. Review status: criteria provided, conflicting classifications (1 of 4 stars). 3 submissions from 3 submitters: Pathogenic (1); Uncertain significance (1). 1 of the submissions does not count toward it. Last evaluated 2025-12-08.

Conditions:
Neurodevelopmental disorder. Identifiers: MedGen C1535926, MeSH D065886, MONDO:0700092.
ABI2-related disorder. Also called: ABI2-related condition.

Submissions (3):

Victorian Clinical Genetics Services, Murdoch Childrens Research Institute
Classification: Uncertain significance for Neurodevelopmental disorder. Last evaluated: 2025-12-08. Review status: criteria provided, single submitter. Criteria: ACMG Guidelines, 2015. Collection method: clinical testing. Allele origin: germline. Affected: yes.
Comment: This variant is classified as VUS-3A. Evidence in support of pathogenic classification: Variant is absent from gnomAD (v2, v3 and v4); This variant has strong previous evidence of pathogenicity in unrelated individuals. This variant has been reported in multiple individuals with a neurodevelopmental disorder, including several de novo individuals (PMID: 40475134); Missense variant predicted to be damaging by in silico tool(s) or highly conserved with a major amino acid change; Additional information: Variant is predicted to result in a missense amino acid change from Tyr to Cys; This variant is heterozygous; This gene is associated with autosomal dominant disease, however, the evidence for this gene-disease association is currently limited (PMID: 40475134); No published evidence of segregation with disease has been identified for this variant; No published functional evidence has been identified for this variant; No comparable missense variants have previous evidence for pathogenicity; Variant is located in the annotated Src-homology 3 domain (PMID: 40475134); The mechanism of disease for this gene is not clearly established.

3billion
Classification: Pathogenic for ABI2-related disorder. Last evaluated: 2025-08-01. Review status: criteria provided, single submitter. Criteria: ACMG Guidelines, 2015. Collection method: clinical testing. Allele origin: germline. Affected: yes.
Comment: The variant is not observed in the gnomAD v4.1.0 dataset. Predicted Consequence/Location: Missense variant In silico tool predictions suggest damaging effect of the variant on gene or gene product [REVEL: 0.61 (>=0.6, sensitivity 0.68 and specificity 0.92)]. The variant has been previously reported as de novo in at least two similarly affected unrelated individuals (PMID: 40475134). Therefore, this variant is classified as Pathogenic according to the recommendation of ACMG/AMP guideline.

Sherr lab, University of California San Francisco
Classification: Pathogenic. Last evaluated: 2026-05-22. Review status: no assertion criteria provided. Collection method: research. Allele origin: de novo. Inheritance: Autosomal dominant inheritance. Affected: yes. Observed: 7 variant alleles, 7 heterozygotes. Clinical features observed: Hypoplasia of the corpus callosum (HP:0002079), Seizure (HP:0001250), Severe global developmental delay (HP:0011344), Periventricular white matter hyperintensities (HP:0030891). Not counted in ClinVar's aggregate classification.
Comment: The p.Tyr491Cys variant in ABI2 is absent from population databases, including gnomAD, and has been identified as de novo in affected individuals. The variant has been observed in seven unrelated individuals with a consistent neurodevelopmental phenotype. The affected residue is highly conserved, and in silico tools support a deleterious effect. Together, these findings support classification of the variant as likely pathogenic/pathogenic.

Literature cited by the submitters: PubMed 40475134 (cited by 3 submitters).

NM_001375670.1(ABI2):c.1472A>G (p.Tyr491Cys)

Gene: ABI2 (abl interactor 2; plus strand). Cytogenetic location: 2q33.2.
Variant type: single nucleotide variant.
Coding change: c.1472A>G on transcript NM_001375670.1 (MANE Select); coding-DNA position 1472, A replaced by G.
Protein change: p.Tyr491Cys; replaces tyrosine 491 with cysteine.
Molecular consequence: missense variant. On other transcripts: non-coding transcript variant (15).
Genome position (GRCh38, 1-based): chr2:203,427,195, A>G. VCF-style: chr2-203427195-A-G. GRCh37 (hg19) VCF-style: chr2-204291918-A-G.
Other names: c.1235A>G, p.Tyr412Cys (NM_001375693.1); c.1232A>G, p.Tyr411Cys (NM_001375695.1); c.1229A>G, p.Tyr410Cys (NM_001375696.1); c.1220A>G, p.Tyr407Cys (NM_001375698.1); c.1217A>G, p.Tyr406Cys (NM_001375699.1, NM_001375702.1); c.1271A>G, p.Tyr424Cys (NM_001375704.1, NM_005759.7, NM_001375686.1); c.1184A>G, p.Tyr395Cys (NM_001375706.1, NM_001375708.1); c.1181A>G, p.Tyr394Cys (NM_001375707.1, NM_001375709.1); and 55 more; short protein forms I502V, Y272C, Y290C, Y300C, Y301C, Y313C, Y316C, Y319C.
Identifiers: ClinVar variation 4818982 (VCV004818982.3).
Genomic context (GRCh38, chr2:203,427,195, plus strand): 5'-ATTACTGTCTTTCACATCCTGTTTTGTTTTCTTCCCTCCTAGTTGTGGCAATTTATGACT[A>G]TACAAAAGACAAGGAAGATGAGCTGTCCTTTCAGGAAGGAGCCATTATTTATGTCATCAA-3'
Protein context (NP_001362599.1, residues 481-501): YLEKVVAIYD[Tyr491Cys]TKDKEDELSF